The following is an entry in ClinVar:

NM_177965.4(CFAP418):c.243T>A (p.Ser81=)

Gene: CFAP418 (cilia and flagella associated protein 418; minus strand). Cytogenetic location: 8q22.1.
Variant type: single nucleotide variant.
Coding change: c.243T>A on transcript NM_177965.4 (MANE Select); coding-DNA position 243, T replaced by A.
Protein change: p.Ser81=; no amino-acid change (serine 81 retained).
Molecular consequence: synonymous variant.
Genome position (GRCh38, 1-based): chr8:95,263,687, A>T on the plus strand (T>A on the coding strand, the complement: CFAP418 is on the minus strand). VCF-style: chr8-95263687-A-T. GRCh37 (hg19) VCF-style: chr8-96275915-A-T.
Other names: c.243T>A, p.Ser81= (NM_001363260.1).
Identifiers: ClinVar variation 965601 (VCV000965601.8), dbSNP rs765997213, ClinGen allele CA4815216.

ClinVar aggregate classification (germline): Uncertain significance. Review status: criteria provided, single submitter (1 of 4 stars). 2 submissions from 2 submitters: Uncertain significance (1). 1 of the submissions does not count toward it. Last evaluated 2024-01-18.

Conditions:
CFAP418-related disorder. Also called: CFAP418-related condition.

Allele frequency attached by ClinVar (database versions not stated): gnomAD exomes below 0.00001; ExAC 0.00001; TOPMed 0.00001.
gnomAD v4.1: 2 of 1,575,712 alleles (0.00013%); highest among the groups gnomAD compares: Non-Finnish European, 0.00017%; no homozygotes.

Submissions (2):

Labcorp Genetics (formerly Invitae), Labcorp
Classification: Uncertain significance. Last evaluated: 2024-01-18. Review status: criteria provided, single submitter. Criteria: Invitae Variant Classification Sherloc (09022015). Collection method: clinical testing. Allele origin: germline.
Comment: This sequence change affects codon 81 of the C8orf37 mRNA. It is a 'silent' change, meaning that it does not change the encoded amino acid sequence of the C8orf37 protein. It affects a nucleotide within the consensus splice site. This variant is present in population databases (rs765997213, gnomAD 0.003%). This variant has not been reported in the literature in individuals affected with C8orf37-related conditions. ClinVar contains an entry for this variant (Variation ID: 965601). Algorithms developed to predict the effect of sequence changes on RNA splicing suggest that this variant is not likely to affect RNA splicing. In summary, the available evidence is currently insufficient to determine the role of this variant in disease. Therefore, it has been classified as a Variant of Uncertain Significance.

PreventionGenetics, part of Exact Sciences
Classification: Likely benign for CFAP418-related condition. Last evaluated: 2024-08-20. Review status: no assertion criteria provided. Collection method: clinical testing. Allele origin: germline. Not counted in ClinVar's aggregate classification.
Comment: This variant is classified as likely benign based on ACMG/AMP sequence variant interpretation guidelines (Richards et al. 2015 PMID: 25741868, with internal and published modifications).